The following is an entry in ClinVar:

ClinVar aggregate classification (germline): Uncertain significance (1 of 4 stars; one submission).

Allele frequency attached by ClinVar (database versions not stated): gnomAD exomes below 0.00001; gnomAD 0.00001; TOPMed 0.00001; ExAC 0.00008.
gnomAD v4.1: 6 of 1,490,052 alleles (0.0004%); highest among the groups gnomAD compares: Non-Finnish European, 0.00053%; no homozygotes.

Submission:

Labcorp Genetics (formerly Invitae), Labcorp
Classification: Uncertain significance. Last evaluated: 2025-10-01. Review status: criteria provided, single submitter. Criteria: Invitae Variant Classification Sherloc (09022015). Collection method: clinical testing. Allele origin: germline.
Comment: This sequence change replaces serine, which is neutral and polar, with cysteine, which is neutral and slightly polar, at codon 1287 of the SBF1 protein (p.Ser1287Cys). The frequency data for this variant in the population databases is considered unreliable, as metrics indicate poor data quality at this position in the gnomAD database. This variant has not been reported in the literature in individuals affected with SBF1-related conditions. ClinVar contains an entry for this variant (Variation ID: 1928708). Invitae Evidence Modeling of protein sequence and biophysical properties (such as structural, functional, and spatial information, amino acid conservation, physicochemical variation, residue mobility, and thermodynamic stability) indicates that this missense variant is not expected to disrupt SBF1 protein function with a negative predictive value of 80%. In summary, the available evidence is currently insufficient to determine the role of this variant in disease. Therefore, it has been classified as a Variant of Uncertain Significance.

NM_002972.4(SBF1):c.3860C>G (p.Ser1287Cys)

Gene: SBF1 (SET binding factor 1; minus strand). Cytogenetic location: 22q13.33.
Variant type: single nucleotide variant.
Coding change: c.3860C>G on transcript NM_002972.4 (MANE Select); coding-DNA position 3860, C replaced by G.
Protein change: p.Ser1287Cys; replaces serine 1287 with cysteine.
Molecular consequence: missense variant. On other transcripts: intron variant (1).
Genome position (GRCh38, 1-based): chr22:50,457,078, G>C on the plus strand (C>G on the coding strand, the complement: SBF1 is on the minus strand). VCF-style: chr22-50457078-G-C. GRCh37 (hg19) VCF-style: chr22-50895507-G-C.
Other names: c.3863C>G, p.Ser1288Cys (NM_001410794.1); c.3860C>G, p.Ser1287Cys (NM_197971.1); c.3830-405C>G (NM_001365819.1); short protein forms S1287C, S1288C.
Identifiers: ClinVar variation 1928708 (VCV001928708.3), dbSNP rs777797810, ClinGen allele CA10316518.